The following is an entry in ClinVar:

ClinVar aggregate classification (germline): Uncertain significance (1 of 4 stars; one submission).

Conditions:
Frontometaphyseal dysplasia (FMD1). Identifiers: Orphanet 1826, MedGen C0265293, MONDO:0015942.
Melnick-Needles syndrome (MNS). Also called: MELNICK-NEEDLES OSTEODYSPLASTY; OSTEODYSPLASTY OF MELNICK AND NEEDLES; Melnick-Needles Syndrome (FLNA-MNS). Identifiers: Orphanet 2484, MedGen C0025237, MONDO:0010650, OMIM 309350.
Oto-palato-digital syndrome, type II (OPD2). Also called: FACIOPALATOOSSEOUS SYNDROME; Otopalatodigital Syndrome, Type II; OPD II SYNDROME; Otopalatodigital Syndrome Type 2 (FLNA-OPD2). Identifiers: Orphanet 669, Orphanet 90652, MedGen C1844696, MONDO:0010571, OMIM 304120.
Heterotopia, periventricular, X-linked dominant (PVNH1). Also called: PERIVENTRICULAR NODULAR HETEROTOPIA 1; X-linked periventricular heterotopia; PERIVENTRICULAR NODULAR HETEROTOPIA 4; HETEROTOPIA, PERIVENTRICULAR, 1. Identifiers: Orphanet 2149, Orphanet 82004, MedGen C1848213, MONDO:0010233, OMIM 300049.

Allele frequency attached by ClinVar (database versions not stated): TOPMed 0.00001.

Submission:

Labcorp Genetics (formerly Invitae), Labcorp
Classification: Uncertain significance for Oto-palato-digital syndrome, type II; Heterotopia, periventricular, X-linked dominant; Frontometaphyseal dysplasia; Melnick-Needles syndrome. Last evaluated: 2025-06-25. Review status: criteria provided, single submitter. Criteria: Invitae Variant Classification Sherloc (09022015). Collection method: clinical testing. Allele origin: germline.
Comment: This sequence change replaces glutamine, which is neutral and polar, with arginine, which is basic and polar, at codon 1248 of the FLNA protein (p.Gln1248Arg). This variant is not present in population databases (gnomAD no frequency). This variant has not been reported in the literature in individuals affected with FLNA-related conditions. ClinVar contains an entry for this variant (Variation ID: 1021029). Invitae Evidence Modeling of protein sequence and biophysical properties (such as structural, functional, and spatial information, amino acid conservation, physicochemical variation, residue mobility, and thermodynamic stability) indicates that this missense variant is not expected to disrupt FLNA protein function with a negative predictive value of 95%. In summary, the available evidence is currently insufficient to determine the role of this variant in disease. Therefore, it has been classified as a Variant of Uncertain Significance.

NM_001110556.2(FLNA):c.3743A>G (p.Gln1248Arg)

Gene: FLNA (filamin A; minus strand). Cytogenetic location: Xq28.
Variant type: single nucleotide variant.
Coding change: c.3743A>G on transcript NM_001110556.2 (MANE Select); coding-DNA position 3743, A replaced by G.
Protein change: p.Gln1248Arg; replaces glutamine 1248 with arginine.
Molecular consequence: missense variant.
Genome position (GRCh38, 1-based): chrX:154,360,052, T>C on the plus strand (A>G on the coding strand, the complement: FLNA is on the minus strand). VCF-style: chrX-154360052-T-C. GRCh37 (hg19) VCF-style: chrX-153588420-T-C.
Other names: c.3743A>G, p.Gln1248Arg (NM_001456.4); short protein forms Q1248R.
Identifiers: ClinVar variation 1021029 (VCV001021029.9), dbSNP rs2067693046, ClinGen allele CA415222794.